The following is an entry in ClinVar:

ClinVar aggregate classification (germline): Likely pathogenic (1 of 4 stars; one submission).

Submission:

Labcorp Genetics (formerly Invitae), Labcorp
Classification: Likely pathogenic. Last evaluated: 2022-06-28. Review status: criteria provided, single submitter. Criteria: Invitae Variant Classification Sherloc (09022015). Collection method: clinical testing. Allele origin: germline.
Comment: This variant results in the deletion of part of exon 26 (c.4583_4630+11del) of the CCDC88C gene. It is expected to disrupt RNA splicing. Variants that disrupt the donor or acceptor splice site typically lead to a loss of protein function (PMID: 16199547), and loss-of-function variants in CCDC88C are known to be pathogenic (PMID: 23042809, 29225145). This variant is not present in population databases (gnomAD no frequency). This variant has not been reported in the literature in individuals affected with CCDC88C-related conditions. Algorithms developed to predict the effect of sequence changes on RNA splicing suggest that this variant may disrupt the consensus splice site. In summary, the currently available evidence indicates that the variant is pathogenic, but additional data are needed to prove that conclusively. Therefore, this variant has been classified as Likely Pathogenic.

Literature cited by the submitters: PubMed 16199547; PubMed 23042809; PubMed 29225145.

NM_001080414.4(CCDC88C):c.4583_4630+11del

Gene: CCDC88C (coiled-coil domain containing 88C; minus strand). Cytogenetic location: 14q32.11.
Variant type: Deletion.
Coding change: c.4583_4630+11del on transcript NM_001080414.4 (MANE Select); coding-DNA position 4583 through 11 bases into the intron after coding-DNA position 4630, 59 bases deleted.
Molecular consequence: splice donor variant.
Genome position (GRCh38, 1-based): chr14:91,283,318-91,283,376, 59 bases deleted. GRCh37 (hg19): chr14:91,749,666-91,749,724.
Identifiers: ClinVar variation 2175797 (VCV002175797.1), dbSNP rs2544268184, ClinGen allele CA2580088913.